The following is an entry in ClinVar:

ClinVar aggregate classification (germline): Uncertain significance (1 of 4 stars; one submission).

Conditions:
Mucopolysaccharidosis, MPS-IV-A (MPS4A). Also called: MPS IVA; GALACTOSAMINE-6-SULFATASE DEFICIENCY; GALNS DEFICIENCY; MORQUIO A DISEASE; Morquio syndrome A, mild; MORQUIO SYNDROME A. Identifiers: Orphanet 309297, Orphanet 582, MedGen C0086651, MONDO:0009659, OMIM 253000.

Submission:

Labcorp Genetics (formerly Invitae), Labcorp
Classification: Uncertain significance for Mucopolysaccharidosis, MPS-IV-A. Last evaluated: 2021-08-12. Review status: criteria provided, single submitter. Criteria: Invitae Variant Classification Sherloc (09022015). Collection method: clinical testing. Allele origin: germline.
Comment: Advanced modeling of protein sequence and biophysical properties (such as structural, functional, and spatial information, amino acid conservation, physicochemical variation, residue mobility, and thermodynamic stability) performed at Invitae indicates that this missense variant is expected to disrupt GALNS protein function. This sequence change replaces methionine with leucine at codon 38 of the GALNS protein (p.Met38Leu). The methionine residue is moderately conserved and there is a small physicochemical difference between methionine and leucine. The frequency data for this variant in the population databases is considered unreliable, as metrics indicate insufficient coverage at this position in the ExAC database. This variant has not been reported in the literature in individuals affected with GALNS-related conditions. In summary, the available evidence is currently insufficient to determine the role of this variant in disease. Therefore, it has been classified as a Variant of Uncertain Significance.

NM_000512.5(GALNS):c.112A>C (p.Met38Leu)

Genes: TRAPPC2L (trafficking protein particle complex subunit 2L; plus strand), GALNS (galactosamine (N-acetyl)-6-sulfatase; minus strand), LOC130059762 (ATAC-STARR-seq lymphoblastoid silent region 7883; plus strand). Cytogenetic location: 16q24.3.
Variant type: single nucleotide variant.
Coding change: c.112A>C on transcript NM_000512.5 (MANE Select); coding-DNA position 112, A replaced by C.
Protein change: p.Met38Leu; replaces methionine 38 with leucine.
Molecular consequence: missense variant. On other transcripts: 5 prime UTR variant (2).
Genome position (GRCh38, 1-based): chr16:88,856,766, T>G on the plus strand (A>C on the coding strand, the complement: GALNS is on the minus strand). VCF-style: chr16-88856766-T-G. GRCh37 (hg19) VCF-style: chr16-88923174-T-G.
Other names: c.-320A>C (NM_001323543.2); c.-41A>C (NM_001323544.2); short protein forms M38L.
Identifiers: ClinVar variation 1460783 (VCV001460783.4), dbSNP rs1306083557, ClinGen allele CA397101026.